The following is an entry in ClinVar:

NM_015192.4(PLCB1):c.450A>G (p.Ala150=)

Gene: PLCB1 (phospholipase C beta 1; plus strand). Cytogenetic location: 20p12.3.
Variant type: single nucleotide variant.
Coding change: c.450A>G on transcript NM_015192.4 (MANE Select); coding-DNA position 450, A replaced by G.
Protein change: p.Ala150=; no amino-acid change (alanine 150 retained).
Molecular consequence: synonymous variant.
Genome position (GRCh38, 1-based): chr20:8,646,167, A>G. VCF-style: chr20-8646167-A-G. GRCh37 (hg19) VCF-style: chr20-8626814-A-G.
Other names: c.450A>G, p.Ala150= (NM_182734.3); c.450A>G (NM_015192.3).
Identifiers: ClinVar variation 2147282 (VCV002147282.6), dbSNP rs373476629, ClinGen allele CA9759680.
Genomic context (GRCh38, chr20:8,646,167, plus strand): 5'-GACAAATGAGGTTTTCAGTTTGGCAACAAACCTGCTGGCCCAAAACATGTCCAGGGATGC[A>G]TTTCTGGAAAAAGCGTAAGTCACTCTAATTTTATTGCTAAGGGCGTTGCTTCTTCTGAGT-3'
Protein context (NP_056007.1, residues 140-160): NLLAQNMSRD[Ala150=]FLEKAYTKLK

ClinVar aggregate classification (germline): Likely benign. Review status: criteria provided, single submitter (1 of 4 stars). 2 submissions from 2 submitters: Likely benign (1). 1 of the submissions does not count toward it. Last evaluated 2023-12-19.

Conditions:
Developmental and epileptic encephalopathy, 12 (DEE12). Identifiers: MedGen C3150988, MONDO:0013389, OMIM 613722.
PLCB1-related disorder. Also called: PLCB1-related condition.

Allele frequency attached by ClinVar (database versions not stated): gnomAD exomes below 0.00001; ExAC 0.00001; TOPMed 0.00001; ESP Exome Variant Server 0.00008.
gnomAD v4.1: 5 of 1,611,946 alleles (0.00031%); highest among the groups gnomAD compares: Non-Finnish European, 0.00025%; no homozygotes.

Submissions (2):

Labcorp Genetics (formerly Invitae), Labcorp
Classification: Likely benign for Developmental and epileptic encephalopathy, 12. Last evaluated: 2023-12-19. Review status: criteria provided, single submitter. Criteria: Invitae Variant Classification Sherloc (09022015). Collection method: clinical testing. Allele origin: germline.

PreventionGenetics, part of Exact Sciences
Classification: Likely benign for PLCB1-related condition. Last evaluated: 2021-03-30. Review status: no assertion criteria provided. Collection method: clinical testing. Allele origin: germline. Not counted in ClinVar's aggregate classification.
Comment: This variant is classified as likely benign based on ACMG/AMP sequence variant interpretation guidelines (Richards et al. 2015 PMID: 25741868, with internal and published modifications).